The following is an entry in ClinVar:

NM_012295.4(CABIN1):c.1980A>C (p.Arg660Ser)

Gene: CABIN1 (calcineurin binding protein 1; plus strand). Cytogenetic location: 22q11.23.
Variant type: single nucleotide variant.
Coding change: c.1980A>C on transcript NM_012295.4 (MANE Select); coding-DNA position 1980, A replaced by C.
Protein change: p.Arg660Ser; replaces arginine 660 with serine.
Molecular consequence: missense variant.
Genome position (GRCh38, 1-based): chr22:24,064,130, A>C. VCF-style: chr22-24064130-A-C. GRCh37 (hg19) VCF-style: chr22-24460593-A-C.
Other names: c.1980A>C, p.Arg660Ser (NM_001199281.1); c.1830A>C, p.Arg610Ser (NM_001201429.2); short protein forms R610S, R660S.
Identifiers: ClinVar variation 1225482 (VCV001225482.6), dbSNP rs9624395, ClinGen allele CA10148759.

ClinVar aggregate classification (germline): Benign. Review status: criteria provided, multiple submitters, no conflicts (2 of 4 stars). 3 submissions from 3 submitters: Benign (2). 1 of the submissions does not count toward it. Last evaluated 2021-05-04.

Conditions:
CABIN1-related disorder. Also called: CABIN1-related condition.

Allele frequency attached by ClinVar (database versions not stated): ExAC 0.02508; 1000 Genomes Project 0.03894; 1000 Genomes Project 30x 0.04247; gnomAD 0.04448 and 0.04718; TOPMed 0.04832; ESP Exome Variant Server 0.04928.
gnomAD v4.1: 36,817 of 1,614,156 alleles (2.3%); highest among the groups gnomAD compares: African/African-American, 11%; 792 homozygotes.

Submissions (3):

GeneDx
Classification: Benign. Last evaluated: 2021-05-04. Review status: criteria provided, single submitter. Criteria: GeneDx Variant Classification Process June 2021. Collection method: clinical testing. Allele origin: germline. Affected: yes.

Breakthrough Genomics
Classification: Benign. Review status: criteria provided, single submitter. Criteria: ACMG Guidelines, 2015. Collection method: not provided. Allele origin: germline. Inheritance: Unknown mechanism. Affected: yes.

PreventionGenetics, part of Exact Sciences
Classification: Benign for CABIN1-related condition. Last evaluated: 2019-04-05. Review status: no assertion criteria provided. Collection method: clinical testing. Allele origin: germline. Not counted in ClinVar's aggregate classification.
Comment: This variant is classified as benign based on ACMG/AMP sequence variant interpretation guidelines (Richards et al. 2015 PMID: 25741868, with internal and published modifications).